The following is an entry in ClinVar:

ClinVar aggregate classification (germline): Benign. Review status: criteria provided, multiple submitters, no conflicts (2 of 4 stars). 2 submissions from 2 submitters: Benign (2). Last evaluated 2018-06-14.

Allele frequency attached by ClinVar (database versions not stated): 1000 Genomes Project 0.31350; 1000 Genomes Project 30x 0.31761; TOPMed 0.42618; gnomAD 0.43885 and 0.44667.
gnomAD v4.1: 66,699 of 152,114 alleles (44%); highest among the groups gnomAD compares: Non-Finnish European, 52%; 15,608 homozygotes.

Submissions (2):

GeneDx
Classification: Benign. Last evaluated: 2018-06-14. Review status: criteria provided, single submitter. Criteria: GeneDx Variant Classification (06012015). Collection method: clinical testing. Allele origin: germline. Affected: yes.
Comment: This variant is considered likely benign or benign based on one or more of the following criteria: it is a conservative change, it occurs at a poorly conserved position in the protein, it is predicted to be benign by multiple in silico algorithms, and/or has population frequency not consistent with disease.

Breakthrough Genomics
Classification: Benign. Review status: criteria provided, single submitter. Criteria: ACMG Guidelines, 2015. Collection method: not provided. Allele origin: germline. Inheritance: Autosomal recessive inheritance. Affected: yes.

NM_033109.5(PNPT1):c.918+200G>A

Gene: PNPT1 (polyribonucleotide nucleotidyltransferase 1; minus strand). Cytogenetic location: 2p16.1.
Variant type: single nucleotide variant.
Coding change: c.918+200G>A on transcript NM_033109.5 (MANE Select); 200 bases into the intron after coding-DNA position 918, G replaced by A.
Molecular consequence: intron variant.
Genome position (GRCh38, 1-based): chr2:55,671,795, C>T on the plus strand (G>A on the coding strand, the complement: PNPT1 is on the minus strand). VCF-style: chr2-55671795-C-T. GRCh37 (hg19) VCF-style: chr2-55898930-C-T.
Identifiers: ClinVar variation 684382 (VCV000684382.2), dbSNP rs2627772, ClinGen allele CA11115935.